The following is an entry in ClinVar:

ClinVar aggregate classification (germline): Pathogenic (1 of 4 stars; one submission).

Conditions:
Jeune thoracic dystrophy. Also called: Jeune syndrome; Infantile thoracic dystrophy; Thoracic pelvic phalangeal dystrophy; Jeune's syndrome; Chondroectodermal dysplasia-like syndrome; Short-rib thoracic dysplasia. Identifiers: Orphanet 474, MedGen C0265275, MONDO:0018770.

Submission:

Labcorp Genetics (formerly Invitae), Labcorp
Classification: Pathogenic for Jeune thoracic dystrophy. Last evaluated: 2024-01-21. Review status: criteria provided, single submitter. Criteria: Invitae Variant Classification Sherloc (09022015). Collection method: clinical testing. Allele origin: germline.
Comment: This sequence change creates a premature translational stop signal (p.Pro2448Glnfs*7) in the DYNC2H1 gene. It is expected to result in an absent or disrupted protein product. Loss-of-function variants in DYNC2H1 are known to be pathogenic (PMID: 23339108, 32753734, 33755199). This variant is not present in population databases (gnomAD no frequency). This variant has not been reported in the literature in individuals affected with DYNC2H1-related conditions. Algorithms developed to predict the effect of sequence changes on RNA splicing suggest that this variant may disrupt the consensus splice site. For these reasons, this variant has been classified as Pathogenic.

Literature cited by the submitters: PubMed 23339108; PubMed 32753734; PubMed 33755199.

NM_001377.3(DYNC2H1):c.7343del (p.Pro2448fs)

Gene: DYNC2H1 (dynein cytoplasmic 2 heavy chain 1; plus strand). Cytogenetic location: 11q22.3.
Variant type: Deletion.
Coding change: c.7343del on transcript NM_001377.3 (MANE Select); coding-DNA position 7343, one base deleted (C; older notation c.7343delC).
Protein change: p.Pro2448fs; shifts the reading frame from proline 2448.
Molecular consequence: frameshift variant.
Genome position (GRCh38, 1-based): chr11:103,189,722, C deleted; the last of 2 consecutive C bases (chr11:103,189,721-103,189,722); deleting either gives the same sequence. VCF-style (leftmost placement, unchanged base first): chr11-103189720-AC-A. GRCh37 (hg19) VCF-style: chr11-103060449-AC-A.
Other names: c.7343del, p.Pro2448fs (NM_001080463.2); short protein forms P2448fs.
Identifiers: ClinVar variation 2818433 (VCV002818433.3), dbSNP rs2496303443, ClinGen allele CA2615745645.